The following is an entry in ClinVar:

NM_001267550.2(TTN):c.28726C>T (p.Leu9576=)

Gene: TTN (titin; minus strand). Cytogenetic location: 2q31.2.
Variant type: single nucleotide variant.
Coding change: c.28726C>T on transcript NM_001267550.2 (MANE Select); coding-DNA position 28726, C replaced by T.
Protein change: p.Leu9576=; no amino-acid change (leucine 9576 retained).
Molecular consequence: synonymous variant. On other transcripts: intron variant (3).
Genome position (GRCh38, 1-based): chr2:178,709,593, G>A on the plus strand (C>T on the coding strand, the complement: TTN is on the minus strand). VCF-style: chr2-178709593-G-A. GRCh37 (hg19) VCF-style: chr2-179574320-G-A.
Other names: c.27775C>T, p.Leu9259= (NM_001256850.1); c.24994C>T, p.Leu8332= (NM_133378.4); c.13282+28489C>T (NM_003319.4); c.13858+28489C>T (NM_133437.4); c.13657+28489C>T (NM_133432.3).
Identifiers: ClinVar variation 413118 (VCV000413118.13), dbSNP rs780753483, ClinGen allele CA1999545.

ClinVar aggregate classification (germline): Likely benign. Review status: criteria provided, multiple submitters, no conflicts (2 of 4 stars). 2 submissions from 2 submitters: Likely benign (2). Last evaluated 2026-05-26.

Conditions:
TTN-related disorder. Also called: TTN-related disorders; TTN-related condition; TTN-related disease.
Autosomal recessive limb-girdle muscular dystrophy type 2J (LGMDR10). Also called: Limb-girdle muscular dystrophy, type 2J; MUSCULAR DYSTROPHY, LIMB-GIRDLE, AUTOSOMAL RECESSIVE 10. Identifiers: Orphanet 140922, MedGen C1837342, MONDO:0012127, OMIM 608807.
Dilated cardiomyopathy 1G (CMD1G). Identifiers: Orphanet 154, MedGen C1858763, MONDO:0011400, OMIM 604145.

Allele frequency attached by ClinVar (database versions not stated): ExAC 0.00002.
gnomAD v4.1: 6 of 1,613,560 alleles (0.00037%); highest among the groups gnomAD compares: Admixed American, 0.01%; no homozygotes.

Submissions (2):

PreventionGenetics, part of Exact Sciences
Classification: Likely benign for TTN-related condition. Last evaluated: 2026-05-26. Review status: criteria provided, single submitter. Criteria: ACMG Guidelines, 2015. Collection method: clinical testing. Allele origin: germline.
Comment: This variant is classified as likely benign based on ACMG/AMP sequence variant interpretation guidelines (Richards et al. 2015 PMID: 25741868, with internal and published modifications).

Labcorp Genetics (formerly Invitae), Labcorp
Classification: Likely benign for Dilated cardiomyopathy 1G; Autosomal recessive limb-girdle muscular dystrophy type 2J. Last evaluated: 2025-09-17. Review status: criteria provided, single submitter. Criteria: Invitae Variant Classification Sherloc (09022015). Collection method: clinical testing. Allele origin: germline.